The following is an entry in ClinVar:

ClinVar aggregate classification (germline): Uncertain significance (1 of 4 stars; one submission).

Conditions:
Early-infantile DEE. Also called: Ohtahara syndrome; Early infantile epileptic encephalopathy; Early infantile epileptic encephalopathy with suppression bursts. Identifiers: Orphanet 1934, MedGen C0393706, MONDO:0800491.

Submission:

Labcorp Genetics (formerly Invitae), Labcorp
Classification: Uncertain significance for Early-infantile DEE. Last evaluated: 2024-01-16. Review status: criteria provided, single submitter. Criteria: Invitae Variant Classification Sherloc (09022015). Collection method: clinical testing. Allele origin: germline.
Comment: This sequence change affects a donor splice site in intron 4 of the ARHGEF15 gene. It is expected to disrupt RNA splicing. Variants that disrupt the donor or acceptor splice site typically lead to a loss of protein function (PMID: 16199547), however the current clinical and genetic evidence is not sufficient to establish whether loss-of-function variants in ARHGEF15 cause disease. This variant is not present in population databases (gnomAD no frequency). This variant has not been reported in the literature in individuals affected with ARHGEF15-related conditions. Algorithms developed to predict the effect of sequence changes on RNA splicing suggest that this variant may disrupt the consensus splice site. In summary, the available evidence is currently insufficient to determine the role of this variant in disease. Therefore, it has been classified as a Variant of Uncertain Significance.

Literature cited by the submitters: PubMed 16199547.

NM_173728.4(ARHGEF15):c.989+1G>T

Gene: ARHGEF15 (Rho guanine nucleotide exchange factor 15; plus strand). Cytogenetic location: 17p13.1.
Variant type: single nucleotide variant.
Coding change: c.989+1G>T on transcript NM_173728.4 (MANE Select); the canonical splice donor site of the intron after coding-DNA position 989, G replaced by T.
Molecular consequence: splice donor variant.
Genome position (GRCh38, 1-based): chr17:8,313,556, G>T. VCF-style: chr17-8313556-G-T. GRCh37 (hg19) VCF-style: chr17-8216874-G-T.
Other names: c.989+1G>T (NM_025014.2).
Identifiers: ClinVar variation 2778648 (VCV002778648.3), dbSNP rs1904811765, ClinGen allele CA398018386.